The following is an entry in ClinVar:

NM_015915.5(ATL1):c.1214T>G (p.Val405Gly)

Gene: ATL1 (atlastin GTPase 1; plus strand). Cytogenetic location: 14q22.1.
Variant type: single nucleotide variant.
Coding change: c.1214T>G on transcript NM_015915.5 (MANE Select); coding-DNA position 1214, T replaced by G.
Protein change: p.Val405Gly; replaces valine 405 with glycine.
Molecular consequence: missense variant.
Genome position (GRCh38, 1-based): chr14:50,628,125, T>G. VCF-style: chr14-50628125-T-G. GRCh37 (hg19) VCF-style: chr14-51094843-T-G.
Other names: c.1214T>G, p.Val405Gly (NM_181598.4, NM_001127713.1); short protein forms V405G.
Identifiers: ClinVar variation 2021433 (VCV002021433.4), dbSNP rs2504577269, ClinGen allele CA389675762.

ClinVar aggregate classification (germline): Likely pathogenic (1 of 4 stars; one submission).

Conditions:
Hereditary spastic paraplegia 3A (SPG3A). Also called: Spastic paraplegia 3A, autosomal dominant; SPASTIC PARAPLEGIA 3, AUTOSOMAL DOMINANT; FAMILIAL SPASTIC PARAPLEGIA, AUTOSOMAL DOMINANT, 1; SPG3; STRUMPELL DISEASE; Spastic Paraplegia 3A. Identifiers: Orphanet 100984, MedGen C2931355, MONDO:0008437, OMIM 182600.

Submission:

Labcorp Genetics (formerly Invitae), Labcorp
Classification: Likely pathogenic for Hereditary spastic paraplegia 3A. Last evaluated: 2022-10-03. Review status: criteria provided, single submitter. Criteria: Invitae Variant Classification Sherloc (09022015). Collection method: clinical testing. Allele origin: germline.
Comment: This missense change has been observed in individual(s) with clinical features of hereditary spastic paraplegia (Invitae). In at least one individual the variant was observed to be de novo. Advanced modeling of protein sequence and biophysical properties (such as structural, functional, and spatial information, amino acid conservation, physicochemical variation, residue mobility, and thermodynamic stability) performed at Invitae indicates that this missense variant is not expected to disrupt ATL1 protein function. This variant is not present in population databases (gnomAD no frequency). In summary, the currently available evidence indicates that the variant is pathogenic, but additional data are needed to prove that conclusively. Therefore, this variant has been classified as Likely Pathogenic. This variant disrupts the p.Val405 amino acid residue in ATL1. Other variant(s) that disrupt this residue have been observed in individuals with ATL1-related conditions (PMID: 31594988; Invitae), which suggests that this may be a clinically significant amino acid residue. This sequence change replaces valine, which is neutral and non-polar, with glycine, which is neutral and non-polar, at codon 405 of the ATL1 protein (p.Val405Gly).

Literature cited by the submitters: PubMed 31594988.